The following is an entry in ClinVar:

NM_000195.5(HPS1):c.602G>A (p.Arg201Gln)

Gene: HPS1 (HPS1 biogenesis of lysosomal organelles complex 3 subunit 1; minus strand). Cytogenetic location: 10q24.2.
Variant type: single nucleotide variant.
Coding change: c.602G>A on transcript NM_000195.5 (MANE Select); coding-DNA position 602, G replaced by A.
Protein change: p.Arg201Gln; replaces arginine 201 with glutamine.
Molecular consequence: missense variant. On other transcripts: 5 prime UTR variant (3), intron variant (5).
Genome position (GRCh38, 1-based): chr10:98,431,197, C>T on the plus strand (G>A on the coding strand, the complement: HPS1 is on the minus strand). VCF-style: chr10-98431197-C-T. GRCh37 (hg19) VCF-style: chr10-100190954-C-T.
Other names: c.-272G>A (NM_001311345.2, NM_001322489.2); c.602G>A, p.Arg201Gln (NM_001322476.2, NM_001322477.2, NM_001322478.2 and 3 more transcripts); c.233G>A, p.Arg78Gln (NM_001322483.2, NM_001322484.2, NM_001322485.2); c.-371G>A (NM_001322487.2); c.408-527G>A (NM_001322480.2, NM_001322482.2, NM_001322481.2); c.551-527G>A (NM_001322492.2, NM_001322490.2); short protein forms R201Q, R78Q.
Identifiers: ClinVar variation 298347 (VCV000298347.8), dbSNP rs746626404, ClinGen allele CA5639353.

ClinVar aggregate classification (germline): Uncertain significance. Review status: criteria provided, multiple submitters, no conflicts (2 of 4 stars). 4 submissions from 4 submitters: Uncertain significance (4). Last evaluated 2026-02-03.

Conditions:
Inborn genetic diseases. Identifiers: MedGen C0950123, MeSH D030342.
Hermansky-Pudlak syndrome 1 (HPS1). Also called: DELTA STORAGE POOL DISEASE. Identifiers: Orphanet 231500, Orphanet 79430, MedGen C2931875, MONDO:0008748, OMIM 203300.

Allele frequency attached by ClinVar (database versions not stated): gnomAD 0.00001; TOPMed 0.00002; gnomAD exomes 0.00003; ExAC 0.00004.

Submissions (4):

GeneDx
Classification: Uncertain significance. Last evaluated: 2026-02-03. Review status: criteria provided, single submitter. Criteria: GeneDx Variant Classification Process June 2021. Collection method: clinical testing. Allele origin: germline.
Comment: In silico analysis suggests that this missense variant does not alter protein structure/function; Has not been previously published as pathogenic or benign to our knowledge

Ambry Genetics
Classification: Uncertain significance for Inborn genetic diseases. Last evaluated: 2023-10-05. Review status: criteria provided, single submitter. Criteria: Ambry Variant Classification Scheme 2023. Collection method: clinical testing. Allele origin: germline.

Labcorp Genetics (formerly Invitae), Labcorp
Classification: Uncertain significance. Last evaluated: 2022-03-27. Review status: criteria provided, single submitter. Criteria: Invitae Variant Classification Sherloc (09022015). Collection method: clinical testing. Allele origin: germline.
Comment: This sequence change replaces arginine, which is basic and polar, with glutamine, which is neutral and polar, at codon 201 of the HPS1 protein (p.Arg201Gln). This variant is present in population databases (rs746626404, gnomAD 0.01%). This variant has not been reported in the literature in individuals affected with HPS1-related conditions. ClinVar contains an entry for this variant (Variation ID: 298347). Algorithms developed to predict the effect of missense changes on protein structure and function are either unavailable or do not agree on the potential impact of this missense change (SIFT: "Tolerated"; PolyPhen-2: "Possibly Damaging"; Align-GVGD: "Class C0"). In summary, the available evidence is currently insufficient to determine the role of this variant in disease. Therefore, it has been classified as a Variant of Uncertain Significance.

Illumina Laboratory Services, Illumina
Classification: Uncertain significance for Hermansky-Pudlak syndrome 1. Last evaluated: 2018-01-13. Review status: criteria provided, single submitter. Criteria: ICSL Variant Classification Criteria 13 December 2019. Collection method: clinical testing. Allele origin: germline.